The following is an entry in ClinVar:

NM_021738.3(SVIL):c.438C>T (p.Val146=)

Gene: SVIL (supervillin; minus strand). Cytogenetic location: 10p11.23.
Variant type: single nucleotide variant.
Coding change: c.438C>T on transcript NM_021738.3 (MANE Select); coding-DNA position 438, C replaced by T.
Protein change: p.Val146=; no amino-acid change (valine 146 retained).
Molecular consequence: synonymous variant.
Genome position (GRCh38, 1-based): chr10:29,550,986, G>A on the plus strand (C>T on the coding strand, the complement: SVIL is on the minus strand). VCF-style: chr10-29550986-G-A. GRCh37 (hg19) VCF-style: chr10-29839915-G-A.
Other names: c.438C>T, p.Val146= (NM_001323599.2, NM_001323600.1, NM_003174.3).
Identifiers: ClinVar variation 5041247 (VCV005041247.1).

ClinVar aggregate classification (germline): Likely benign (1 of 4 stars; one submission).

gnomAD v4.1: 34 of 1,613,946 alleles (0.0021%); highest among the groups gnomAD compares: Admixed American, 0.048%; no homozygotes.

Submission:

CeGaT Center for Human Genetics Tuebingen
Classification: Likely benign. Last evaluated: 2026-09-01. Review status: criteria provided, single submitter. Criteria: CeGaT Center For Human Genetics Tuebingen Variant Classification Criteria Version 2. Collection method: clinical testing. Allele origin: germline. Affected: yes. Observed: 1 variant allele.
Comment: SVIL: BP4, BP7